The following is an entry in ClinVar:

ClinVar aggregate classification (germline): Uncertain significance (1 of 4 stars; one submission).

Allele frequency attached by ClinVar (database versions not stated): gnomAD exomes below 0.00001.
gnomAD v4.1: 1 of 1,613,918 alleles (0.000062%); highest among the groups gnomAD compares: Non-Finnish European, 0.000085%; no homozygotes.

Submission:

CeGaT Center for Human Genetics Tuebingen
Classification: Uncertain significance. Last evaluated: 2023-11-01. Review status: criteria provided, single submitter. Criteria: CeGaT Center For Human Genetics Tuebingen Variant Classification Criteria Version 2. Collection method: clinical testing. Allele origin: germline. Affected: yes. Observed: 1 variant allele.
Comment: PLA2G6: PM2

NM_003560.4(PLA2G6):c.1672G>C (p.Gly558Arg)

Gene: PLA2G6 (phospholipase A2 group VI; minus strand). Cytogenetic location: 22q13.1.
Variant type: single nucleotide variant.
Coding change: c.1672G>C on transcript NM_003560.4 (MANE Select); coding-DNA position 1672, G replaced by C.
Protein change: p.Gly558Arg; replaces glycine 558 with arginine.
Molecular consequence: missense variant.
Genome position (GRCh38, 1-based): chr22:38,120,829, C>G on the plus strand (G>C on the coding strand, the complement: PLA2G6 is on the minus strand). VCF-style: chr22-38120829-C-G. GRCh37 (hg19) VCF-style: chr22-38516836-C-G.
Other names: c.1510G>C, p.Gly504Arg (NM_001004426.3, NM_001199562.3, NM_001349865.2 and 1 more transcripts); c.1672G>C, p.Gly558Arg (NM_001349864.2); c.1138G>C, p.Gly380Arg (NM_001349867.2); c.994G>C, p.Gly332Arg (NM_001349868.2); c.976G>C, p.Gly326Arg (NM_001349869.2); short protein forms G326R, G332R, G380R, G504R, G558R.
Identifiers: ClinVar variation 2672907 (VCV002672907.23), dbSNP rs2517951460, ClinGen allele CA411527379.